The following is an entry in ClinVar:

NM_001136193.2(FASTKD2):c.1939G>A (p.Gly647Ser)

Gene: FASTKD2 (FAST kinase domains 2; plus strand). Cytogenetic location: 2q33.3.
Variant type: single nucleotide variant.
Coding change: c.1939G>A on transcript NM_001136193.2 (MANE Select); coding-DNA position 1939, G replaced by A.
Protein change: p.Gly647Ser; replaces glycine 647 with serine.
Molecular consequence: missense variant.
Genome position (GRCh38, 1-based): chr2:206,790,612, G>A. VCF-style: chr2-206790612-G-A. GRCh37 (hg19) VCF-style: chr2-207655336-G-A.
Other names: c.1939G>A, p.Gly647Ser (NM_001136194.2, NM_014929.4); short protein forms G647S.
Identifiers: ClinVar variation 3384234 (VCV003384234.1).
Genomic context (GRCh38, chr2:206,790,612, plus strand): 5'-TTGTTTATTTTTGTTTTCAGAGTAGCTGTGCTATGTGTTTCCAGATCTGCTTATTGTTTG[G>A]GTTCAAGCCACCCCAGAGGATTCCTTGCTATGAAAATGCGGCATTTGAATGCAATGGGTT-3'
Protein context (NP_001129665.1, residues 637-657): LCVSRSAYCL[Gly647Ser]SSHPRGFLAM

ClinVar aggregate classification (germline): Uncertain significance (1 of 4 stars; one submission).

Submission:

GeneDx
Classification: Uncertain significance. Last evaluated: 2024-06-06. Review status: criteria provided, single submitter. Criteria: GeneDx Variant Classification Process June 2021. Collection method: clinical testing. Allele origin: germline. Affected: yes.
Comment: Not observed at significant frequency in large population cohorts (gnomAD); In silico analysis indicates that this missense variant does not alter protein structure/function; Has not been previously published as pathogenic or benign to our knowledge